The following is an entry in ClinVar:

ClinVar aggregate classification (germline): Uncertain significance (1 of 4 stars; one submission).

Conditions:
Inborn genetic diseases. Identifiers: MedGen C0950123, MeSH D030342.

Allele frequency attached by ClinVar (database versions not stated): gnomAD exomes below 0.00001; TOPMed below 0.00001; gnomAD 0.00001.
gnomAD v4.1: 6 of 1,613,734 alleles (0.00037%); highest among the groups gnomAD compares: East Asian, 0.011%; no homozygotes.

Submission:

Ambry Genetics
Classification: Uncertain significance for Inborn genetic diseases. Last evaluated: 2023-10-03. Review status: criteria provided, single submitter. Criteria: Ambry Variant Classification Scheme 2023. Collection method: clinical testing. Allele origin: germline.
Comment: The c.1822+3A>G intronic alteration consists of a A to G substitution nucleotides after coding exon 8 in the UMOD gene. Based on insufficient or conflicting evidence, the clinical significance of this alteration remains unclear.

NM_003361.4(UMOD):c.1822+3A>G

Gene: UMOD (uromodulin; minus strand). Cytogenetic location: 16p12.3.
Variant type: single nucleotide variant.
Coding change: c.1822+3A>G on transcript NM_003361.4 (MANE Select); 3 bases into the intron after coding-DNA position 1822, A replaced by G.
Molecular consequence: intron variant.
Genome position (GRCh38, 1-based): chr16:20,336,643, T>C on the plus strand (A>G on the coding strand, the complement: UMOD is on the minus strand). VCF-style: chr16-20336643-T-C. GRCh37 (hg19) VCF-style: chr16-20347965-T-C.
Other names: c.1822+3A>G (NM_001008389.3, NM_001378232.1, NM_001378233.1); c.1963+3A>G (NM_001378234.1, NM_001378235.1); c.1921+3A>G (NM_001278614.2).
Identifiers: ClinVar variation 3186403 (VCV003186403.1), dbSNP rs1330205785, ClinGen allele CA621250301.
Genomic context (GRCh38, chr16:20,336,643, plus strand): 5'-TCCCTCTTCCTCTCCAGAAATCTTTCCCAGCCAGGAATGTTGAGGAGCGAGTGGCTCTCT[T>C]ACCTTTCCGTGTGATGGGACCCAAGTTCAGGACACGGGATTGATCTATGACACTCCCACT-3'